The following is an entry in ClinVar:

NM_003265.3(TLR3):c.2018G>A (p.Ser673Asn)

Gene: TLR3 (toll like receptor 3; plus strand). Cytogenetic location: 4q35.1.
Variant type: single nucleotide variant.
Coding change: c.2018G>A on transcript NM_003265.3 (MANE Select); coding-DNA position 2018, G replaced by A.
Protein change: p.Ser673Asn; replaces serine 673 with asparagine.
Molecular consequence: missense variant.
Genome position (GRCh38, 1-based): chr4:186,083,704, G>A. VCF-style: chr4-186083704-G-A. GRCh37 (hg19) VCF-style: chr4-187004858-G-A.
Other names: short protein forms S673N.
Identifiers: ClinVar variation 4712743 (VCV004712743.1).

ClinVar aggregate classification (germline): Uncertain significance (1 of 4 stars; one submission).

Conditions:
Encephalopathy, acute, infection-induced (herpes-specific), susceptibility to, 1. Also called: Herpes simplex encephalitis, susceptibility to, 1. Identifiers: Orphanet 1930, MedGen C2750180, MONDO:0024563, OMIM 610551.

Submission:

Labcorp Genetics (formerly Invitae), Labcorp
Classification: Uncertain significance for Encephalopathy, acute, infection-induced (herpes-specific), susceptibility to, 1. Last evaluated: 2025-02-10. Review status: criteria provided, single submitter. Criteria: Invitae Variant Classification Sherloc (09022015). Collection method: clinical testing. Allele origin: germline.
Comment: This sequence change replaces serine, which is neutral and polar, with asparagine, which is neutral and polar, at codon 673 of the TLR3 protein (p.Ser673Asn). This variant is not present in population databases (gnomAD no frequency). This variant has not been reported in the literature in individuals affected with TLR3-related conditions. An algorithm developed to predict the effect of missense changes on protein structure and function outputs the following: PolyPhen-2: "Benign". The asparagine amino acid residue is found in multiple mammalian species, which suggests that this missense change does not adversely affect protein function. In summary, the available evidence is currently insufficient to determine the role of this variant in disease. Therefore, it has been classified as a Variant of Uncertain Significance.